The following is an entry in ClinVar:

NM_201253.3(CRB1):c.4005+1_4005+10del

Gene: CRB1 (crumbs cell polarity complex component 1; plus strand). Cytogenetic location: 1q31.3.
Variant type: Deletion.
Coding change: c.4005+1_4005+10del on transcript NM_201253.3 (MANE Select); the canonical splice donor site of the intron after coding-DNA position 4005 through 10 bases into the intron after coding-DNA position 4005, 10 bases deleted (GTAAGCAGCC; older notation c.4005+1_4005+10delGTAAGCAGCC).
Molecular consequence: splice donor variant. On other transcripts: non-coding transcript variant (1).
Genome position (GRCh38, 1-based): chr1:197,442,293-197,442,302, GTAAGCAGCC deleted; deleting any 10 consecutive bases within chr1:197,442,292-197,442,302 gives the same sequence; the c. name uses the placement nearest the transcript's 3' end. VCF-style (leftmost placement, unchanged base first): chr1-197442291-ACGTAAGCAGC-A. GRCh37 (hg19) VCF-style: chr1-197411421-ACGTAAGCAGC-A.
Other names: c.3933+1_3933+10del (NM_001257965.2); c.2397+1_2397+10del (NM_001257966.2); c.3669+1_3669+10del (NM_001193640.2).
Identifiers: ClinVar variation 4817062 (VCV004817062.1).

ClinVar aggregate classification (germline): Pathogenic (1 of 4 stars; one submission).

Conditions:
Leber congenital amaurosis (LCA). Also called: Leber's amaurosis. Identifiers: Orphanet 65, MedGen C0339527, MeSH D057130, MONDO:0018998.

Submission:

Natera, Inc.
Classification: Pathogenic for Leber congenital amaurosis. Last evaluated: 2024-12-11. Review status: criteria provided, single submitter. Criteria: Natera Variant Classification Schema (03/2026). Collection method: clinical testing. Allele origin: germline.
Comment: The c.4005+1_4005+10del variant in CRB1 is a canonical splice donor site variant predicted to affect pre-mRNA splicing, which may result in an abnormal transcript and altered protein product. This variant is expected to result in nonsense mediated decay, truncation, or a dysfunctional protein product. This variant is rare in the general population with a frequency below the threshold expected for the associated phenotype(s). Another variant at this same site results in an alteration predicted to cause a similar molecular effect has been observed in individual(s) with the associated phenotype. Given the available evidence, this variant is classified as Pathogenic.